The following is an entry in ClinVar:

NM_017934.7(PHIP):c.4264T>A (p.Leu1422Ile)

Genes: IRAK1BP1 (interleukin 1 receptor associated kinase 1 binding protein 1; plus strand), PHIP (PHIP subunit of CUL4-Ring ligase complex; minus strand). Cytogenetic location: 6q14.1.
Variant type: single nucleotide variant.
Coding change: c.4264T>A on transcript NM_017934.7 (MANE Select); coding-DNA position 4264, T replaced by A.
Protein change: p.Leu1422Ile; replaces leucine 1422 with isoleucine.
Molecular consequence: missense variant.
Genome position (GRCh38, 1-based): chr6:78,946,817, A>T on the plus strand (T>A on the coding strand, the complement: PHIP is on the minus strand). VCF-style: chr6-78946817-A-T. GRCh37 (hg19) VCF-style: chr6-79656534-A-T.
Other names: short protein forms L1422I.
Identifiers: ClinVar variation 4851751 (VCV004851751.1).
Genomic context (GRCh38, chr6:78,946,817, plus strand): 5'-TCCTCCTTTTGGTTATGGTATTTCTTTTATGAAAACGAAGAGCAGATTTATAATCTGATA[A>T]AACTGAACTAATGTGTTCTTCAAAGAAAGCAGACAGGCGCAAACTCATGCTGTAAATCTG-3'
Protein context (NP_060404.4, residues 1412-1432): AFFEEHISSV[Leu1422Ile]SDYKSALRFH

ClinVar aggregate classification (germline): Uncertain significance (1 of 4 stars; one submission).

Submission:

Greenwood Genetic Center Diagnostic Laboratories, Greenwood Genetic Center
Classification: Uncertain significance. Last evaluated: 2025-01-21. Review status: criteria provided, single submitter. Criteria: ACMG Guidelines, 2015. Collection method: clinical testing. Allele origin: germline.
Comment: PM2, BP4